The following is an entry in ClinVar:

NM_153240.5(NPHP3):c.3717G>A (p.Leu1239=)

Genes: NPHP3 (nephrocystin 3; minus strand), NPHP3-ACAD11 (NPHP3-ACAD11 readthrough (NMD candidate); minus strand). Cytogenetic location: 3q22.1.
Variant type: single nucleotide variant.
Coding change: c.3717G>A on transcript NM_153240.5 (MANE Select); coding-DNA position 3717, G replaced by A.
Protein change: p.Leu1239=; no amino-acid change (leucine 1239 retained).
Molecular consequence: synonymous variant. On other transcripts: non-coding transcript variant (1).
Genome position (GRCh38, 1-based): chr3:132,682,798, C>T on the plus strand (G>A on the coding strand, the complement: NPHP3 is on the minus strand). VCF-style: chr3-132682798-C-T. GRCh37 (hg19) VCF-style: chr3-132401642-C-T.
Other names: p.Leu1239=.
Identifiers: ClinVar variation 262709 (VCV000262709.23), dbSNP rs146759786, ClinGen allele CA2621659.

ClinVar aggregate classification (germline): Conflicting classifications of pathogenicity. Review status: criteria provided, conflicting classifications (1 of 4 stars). 9 submissions from 7 submitters: Uncertain significance (4); Likely benign (5). Last evaluated 2026-01-06.

Conditions:
Nephronophthisis. Also called: Juvenile Nephronophthisis. Identifiers: Orphanet 655, MedGen C0687120, MONDO:0019005, HP:0000090.
Renal-hepatic-pancreatic dysplasia 1 (RHPD1). Identifiers: MedGen C3715199, MONDO:0008833, OMIM 208540.
NPHP3-related Meckel-like syndrome. Also called: GOLDSTON SYNDROME; Meckel syndrome type 7. Identifiers: Orphanet 3032, MedGen C2673885, MONDO:0009966, OMIM 267010.
Nephronophthisis 3 (NPHP3). Also called: Adolescent nephronophthisis. Identifiers: Orphanet 655, MedGen C1858392, MONDO:0011456, OMIM 604387.

Allele frequency attached by ClinVar (database versions not stated): ExAC 0.00013; gnomAD exomes 0.00014 and 0.00018; ESP Exome Variant Server 0.00015; 1000 Genomes Project 30x 0.00031; gnomAD 0.00039 and 0.00040; 1000 Genomes Project 0.00040; TOPMed 0.00076.
gnomAD v4.1: 272 of 1,609,936 alleles (0.017%); highest among the groups gnomAD compares: Admixed American, 0.1%; 1 homozygote.

Submissions (9):

Labcorp Genetics (formerly Invitae), Labcorp
Classification: Likely benign for Nephronophthisis. Last evaluated: 2026-01-06. Review status: criteria provided, single submitter. Criteria: Invitae Variant Classification Sherloc (09022015). Collection method: clinical testing. Allele origin: germline.

Mayo Clinic Laboratories, Mayo Clinic
Classification: Likely benign. Last evaluated: 2025-05-01. Review status: criteria provided, single submitter. Criteria: ACMG Guidelines, 2015. Collection method: clinical testing. Allele origin: germline. Observed: 2 variant alleles.
Comment: PM2_supporting

Blueprint Genetics
Classification: Likely benign. Last evaluated: 2024-09-23. Review status: criteria provided, single submitter. Criteria: ACMG Guidelines, 2015. Collection method: clinical testing. Allele origin: germline.

GeneDx
Classification: Likely benign. Last evaluated: 2021-05-14. Review status: criteria provided, single submitter. Criteria: GeneDx Variant Classification Process June 2021. Collection method: clinical testing. Allele origin: germline. Affected: yes.

Eurofins Ntd Llc (ga)
Classification: Uncertain significance. Last evaluated: 2018-06-07. Review status: criteria provided, single submitter. Criteria: EGL ClinVar v180209 classification definitions. Collection method: clinical testing. Allele origin: germline. Observed: 2 variant alleles, 2 heterozygotes.

Illumina Laboratory Services, Illumina
Classification: Uncertain significance for Renal-hepatic-pancreatic dysplasia 1. Last evaluated: 2018-01-12. Review status: criteria provided, single submitter. Criteria: ICSL Variant Classification Criteria 13 December 2019. Collection method: clinical testing. Allele origin: germline.

Illumina Laboratory Services, Illumina
Classification: Uncertain significance for NPHP3-related Meckel-like syndrome. Last evaluated: 2018-01-12. Review status: criteria provided, single submitter. Criteria: ICSL Variant Classification Criteria 13 December 2019. Collection method: clinical testing. Allele origin: germline.

Illumina Laboratory Services, Illumina
Classification: Uncertain significance for Nephronophthisis 3. Last evaluated: 2018-01-12. Review status: criteria provided, single submitter. Criteria: ICSL Variant Classification Criteria 13 December 2019. Collection method: clinical testing. Allele origin: germline.

PreventionGenetics, part of Exact Sciences
Classification: Likely benign. Review status: criteria provided, single submitter. Criteria: ACMG Guidelines, 2015. Collection method: clinical testing. Allele origin: germline.